The following is an entry in ClinVar:

ClinVar aggregate classification (germline): Uncertain significance (1 of 4 stars; one submission).

Submission:

Labcorp Genetics (formerly Invitae), Labcorp
Classification: Uncertain significance. Last evaluated: 2024-03-19. Review status: criteria provided, single submitter. Criteria: Invitae Variant Classification Sherloc (09022015). Collection method: clinical testing. Allele origin: germline.
Comment: This variant, c.1586_1588dup, results in the insertion of 1 amino acid(s) of the PLS3 protein (p.Asn529dup), but otherwise preserves the integrity of the reading frame. This variant is not present in population databases (gnomAD no frequency). This variant has not been reported in the literature in individuals affected with PLS3-related conditions. In summary, the available evidence is currently insufficient to determine the role of this variant in disease. Therefore, it has been classified as a Variant of Uncertain Significance.

NM_005032.7(PLS3):c.1586_1588dup (p.Asn529_Arg530insAsn)

Gene: PLS3 (plastin 3; plus strand). Cytogenetic location: Xq23.
Variant type: Duplication.
Coding change: c.1586_1588dup on transcript NM_005032.7 (MANE Select); coding-DNA positions 1586 to 1588, 3 bases duplicated (ACA; older notation c.1586_1588dupACA).
Protein change: p.Asn529_Arg530insAsn.
Genome position (GRCh38, 1-based): chrX:115,647,624-115,647,626, ACA duplicated; duplicating any 3 consecutive bases within chrX:115,647,623-115,647,626 gives the same sequence; the c. name uses the placement nearest the transcript's 3' end. VCF-style (leftmost placement, unchanged base first): chrX-115647622-G-GAAC. GRCh37 (hg19) VCF-style: chrX-114881942-G-GAAC.
Other names: c.1586_1588dup, p.Asn529_Arg530insAsn (NM_001136025.5); c.1505_1507dup, p.Asn502_Arg503insAsn (NM_001172335.3); c.1547_1549dup, p.Asn516_Arg517insAsn (NM_001282337.2); c.1451_1453dup, p.Asn484_Arg485insAsn (NM_001282338.2).
Identifiers: ClinVar variation 3646803 (VCV003646803.2).